The following is an entry in ClinVar:

NM_001267550.2(TTN):c.104213A>C (p.Glu34738Ala)

Genes: TTN-AS1 (TTN antisense RNA 1; plus strand), TTN (titin; minus strand). Cytogenetic location: 2q31.2.
Variant type: single nucleotide variant.
Coding change: c.104213A>C on transcript NM_001267550.2 (MANE Select); coding-DNA position 104213, A replaced by C.
Protein change: p.Glu34738Ala; replaces glutamic acid 34738 with alanine.
Molecular consequence: missense variant.
Genome position (GRCh38, 1-based): chr2:178,532,402, T>G on the plus strand (A>C on the coding strand, the complement: TTN is on the minus strand). VCF-style: chr2-178532402-T-G. GRCh37 (hg19) VCF-style: chr2-179397129-T-G.
Other names: c.99290A>C, p.Glu33097Ala (NM_001256850.1); c.77018A>C, p.Glu25673Ala (NM_003319.4); c.96509A>C, p.Glu32170Ala (NM_133378.4); c.77393A>C, p.Glu25798Ala (NM_133432.3); c.77594A>C, p.Glu25865Ala (NM_133437.4); short protein forms E32170A, E34738A, E25673A, E25798A, E33097A, E25865A.
Identifiers: ClinVar variation 498342 (VCV000498342.7), dbSNP rs372916018, ClinGen allele CA1985461.
Genomic context (GRCh38, chr2:178,532,402, plus strand): 5'-GGCTGTCTGTACGCAGCCTGGGCATGCCGTTCCCTCAGTTCTGCATAACTTGTACTAGCT[T>G]CAGCCTTCGTTGGGATGTGATAGGTTGAATACCTGAAGTCTTTTCTTGTTTCCTCCACCT-3'
Protein context (NP_001254479.2, residues 34728-34748): YSTYHIPTKA[Glu34738Ala]ASTSYAELRE

ClinVar aggregate classification (germline): Uncertain significance. Review status: criteria provided, multiple submitters, no conflicts (2 of 4 stars). 2 submissions from 2 submitters: Uncertain significance (2). Last evaluated 2025-12-31.

Conditions:
Dilated cardiomyopathy 1G (CMD1G). Identifiers: Orphanet 154, MedGen C1858763, MONDO:0011400, OMIM 604145.
Autosomal recessive limb-girdle muscular dystrophy type 2J (LGMDR10). Also called: MUSCULAR DYSTROPHY, LIMB-GIRDLE, AUTOSOMAL RECESSIVE 10; Limb-girdle muscular dystrophy, type 2J. Identifiers: Orphanet 140922, MedGen C1837342, MONDO:0012127, OMIM 608807.

Allele frequency attached by ClinVar (database versions not stated): TOPMed below 0.00001; gnomAD 0.00001; gnomAD exomes 0.00001 and 0.00002; ExAC 0.00002; ESP Exome Variant Server 0.00008.
gnomAD v4.1: 24 of 1,613,884 alleles (0.0015%); highest among the groups gnomAD compares: Non-Finnish European, 0.0019%; no homozygotes.

Submissions (2):

Labcorp Genetics (formerly Invitae), Labcorp
Classification: Uncertain significance for Dilated cardiomyopathy 1G; Autosomal recessive limb-girdle muscular dystrophy type 2J. Last evaluated: 2025-12-31. Review status: criteria provided, single submitter. Criteria: Invitae Variant Classification Sherloc (09022015). Collection method: clinical testing. Allele origin: germline.
Comment: This sequence change replaces glutamic acid, which is acidic and polar, with alanine, which is neutral and non-polar, at codon 34738 of the TTN protein (p.Glu34738Ala). This variant is present in population databases (rs372916018, gnomAD 0.002%). This variant has not been reported in the literature in individuals affected with TTN-related conditions. ClinVar contains an entry for this variant (Variation ID: 498342). Experimental studies and prediction algorithms are not available or were not evaluated, and the functional significance of this variant is currently unknown. This variant is located in the M band of TTN (PMID: 25589632). Non-truncating variants in this region may be relevant for neuromuscular disorders, but have not been definitively shown to cause cardiomyopathy (PMID: 23975875). In summary, the available evidence is currently insufficient to determine the role of this variant in disease. Therefore, it has been classified as a Variant of Uncertain Significance.

Eurofins Ntd Llc (ga)
Classification: Uncertain significance. Last evaluated: 2016-12-12. Review status: criteria provided, single submitter. Criteria: EGL Classification Definitions 2015. Collection method: clinical testing. Allele origin: germline. Observed: 1 variant allele, 1 heterozygote.

Literature cited by the submitters: PubMed 25589632 (cited by Labcorp Genetics (formerly Invitae), Labcorp); PubMed 23975875 (cited by Labcorp Genetics (formerly Invitae), Labcorp).